The following is an entry in ClinVar:

ClinVar aggregate classification (germline): Uncertain significance. Review status: criteria provided, multiple submitters, no conflicts (2 of 4 stars). 2 submissions from 2 submitters: Uncertain significance (2). Last evaluated 2024-06-18.

Submissions (2):

GeneDx
Classification: Uncertain significance. Last evaluated: 2024-06-18. Review status: criteria provided, single submitter. Criteria: GeneDx Variant Classification Process June 2021. Collection method: clinical testing. Allele origin: germline. Affected: yes.
Comment: Not observed at significant frequency in large population cohorts (gnomAD); In silico analysis supports that this missense variant has a deleterious effect on protein structure/function; Not located in the triple helical region, where the majority of pathogenic missense variants occur (HGMD; PMID: 25240749); Has not been previously published as pathogenic or benign to our knowledge; This variant is associated with the following publications: (PMID: 25240749)

Labcorp Genetics (formerly Invitae), Labcorp
Classification: Uncertain significance. Last evaluated: 2022-05-13. Review status: criteria provided, single submitter. Criteria: Invitae Variant Classification Sherloc (09022015). Collection method: clinical testing. Allele origin: germline.
Comment: ClinVar contains an entry for this variant (Variation ID: 1309856). This sequence change replaces tyrosine, which is neutral and polar, with cysteine, which is neutral and slightly polar, at codon 1622 of the COL11A1 protein (p.Tyr1622Cys). This variant is not present in population databases (gnomAD no frequency). This variant has not been reported in the literature in individuals affected with COL11A1-related conditions. Algorithms developed to predict the effect of missense changes on protein structure and function are either unavailable or do not agree on the potential impact of this missense change (SIFT: "Deleterious"; PolyPhen-2: "Not Available"; Align-GVGD: "Class C65"). In summary, the available evidence is currently insufficient to determine the role of this variant in disease. Therefore, it has been classified as a Variant of Uncertain Significance.

NM_001854.4(COL11A1):c.4865A>G (p.Tyr1622Cys)

Gene: COL11A1 (collagen type XI alpha 1 chain; minus strand). Cytogenetic location: 1p21.1.
Variant type: single nucleotide variant.
Coding change: c.4865A>G on transcript NM_001854.4 (MANE Select); coding-DNA position 4865, A replaced by G.
Protein change: p.Tyr1622Cys; replaces tyrosine 1622 with cysteine.
Molecular consequence: missense variant. On other transcripts: non-coding transcript variant (1).
Genome position (GRCh38, 1-based): chr1:102,883,305, T>C on the plus strand (A>G on the coding strand, the complement: COL11A1 is on the minus strand). VCF-style: chr1-102883305-T-C. GRCh37 (hg19) VCF-style: chr1-103348861-T-C.
Other names: c.4748A>G, p.Tyr1583Cys (NM_001190709.2); c.4901A>G, p.Tyr1634Cys (NM_080629.3); c.4517A>G, p.Tyr1506Cys (NM_080630.4); short protein forms Y1506C, Y1583C, Y1622C, Y1634C.
Identifiers: ClinVar variation 1309856 (VCV001309856.7), dbSNP rs2101026386, ClinGen allele CA341211670.